The following is an entry in ClinVar:

ClinVar aggregate classification (germline): Conflicting classifications of pathogenicity. Review status: criteria provided, conflicting classifications (1 of 4 stars). 5 submissions from 5 submitters: Uncertain significance (3); Benign (1); Likely benign (1). Last evaluated 2026-01-08.

Conditions:
Inborn genetic diseases. Identifiers: MedGen C0950123, MeSH D030342.
Nemaline myopathy 2 (NEM2). Also called: Nemaline myopathy 2, autosomal recessive. Identifiers: MedGen C1850569, MONDO:0009725, OMIM 256030.

Allele frequency attached by ClinVar (database versions not stated): gnomAD exomes 0.00004 and 0.00013; ExAC 0.00010; ESP Exome Variant Server 0.00024; gnomAD 0.00032; TOPMed 0.00037; 1000 Genomes Project 0.00180; 1000 Genomes Project 30x 0.00219.
gnomAD v4.1: 125 of 1,613,614 alleles (0.0077%); highest among the groups gnomAD compares: African/African-American, 0.14%; 1 homozygote.

Submissions (5):

Labcorp Genetics (formerly Invitae), Labcorp
Classification: Benign for Nemaline myopathy 2. Last evaluated: 2026-01-08. Review status: criteria provided, single submitter. Criteria: Invitae Variant Classification Sherloc (09022015). Collection method: clinical testing. Allele origin: germline.

Mayo Clinic Laboratories, Mayo Clinic
Classification: Uncertain significance. Last evaluated: 2025-08-15. Review status: criteria provided, single submitter. Criteria: ACMG Guidelines, 2015. Collection method: clinical testing. Allele origin: germline. Observed: 2 variant alleles.
Comment: BP4

Ambry Genetics
Classification: Uncertain significance for Inborn genetic diseases. Last evaluated: 2025-05-19. Review status: criteria provided, single submitter. Criteria: Ambry Variant Classification Scheme 2023. Collection method: clinical testing. Allele origin: germline.

Revvity Omics, Revvity
Classification: Uncertain significance. Last evaluated: 2025-03-24. Review status: criteria provided, single submitter. Criteria: ACMG Guidelines, 2015. Collection method: clinical testing. Allele origin: germline.

GeneDx
Classification: Likely benign. Last evaluated: 2021-03-18. Review status: criteria provided, single submitter. Criteria: GeneDx Variant Classification Process June 2021. Collection method: clinical testing. Allele origin: germline. Affected: yes.

NM_001164508.2(NEB):c.6278T>C (p.Val2093Ala)

Gene: NEB (nebulin; minus strand). Cytogenetic location: 2q23.3.
Variant type: single nucleotide variant.
Coding change: c.6278T>C on transcript NM_001164508.2 (MANE Select); coding-DNA position 6278, T replaced by C.
Protein change: p.Val2093Ala; replaces valine 2093 with alanine.
Molecular consequence: missense variant.
Genome position (GRCh38, 1-based): chr2:151,656,370, A>G on the plus strand (T>C on the coding strand, the complement: NEB is on the minus strand). VCF-style: chr2-151656370-A-G. GRCh37 (hg19) VCF-style: chr2-152512884-A-G.
Other names: p.Val2093Ala; c.6278T>C, p.Val2093Ala (NM_001164507.2, NM_001271208.2, NM_004543.5); c.6278T>C (NM_004543.4); short protein forms V2093A.
Identifiers: ClinVar variation 389566 (VCV000389566.15), dbSNP rs147476634, ClinGen allele CA1910132.
Genomic context (GRCh38, chr2:151,656,370, plus strand): 5'-TAGCTGGTCTTTGTGTTCTCATAGTTTTTCTTGTACTCCCGATCAGATTGCATCTTAGCC[A>G]CTTGCATGGAATGGACTAATTTGGGATCATCCTCGAGACTGCGGAAACCAACCATTTTCC-3'
Protein context (NP_001157980.2, residues 2083-2103): DDPKLVHSMQ[Val2093Ala]AKMQSDREYK